The following is an entry in ClinVar:

NM_020754.4(ARHGAP31):c.1381C>A (p.Pro461Thr)

Gene: ARHGAP31 (Rho GTPase activating protein 31; plus strand). Cytogenetic location: 3q13.33.
Variant type: single nucleotide variant.
Coding change: c.1381C>A on transcript NM_020754.4 (MANE Select); coding-DNA position 1381, C replaced by A.
Protein change: p.Pro461Thr; replaces proline 461 with threonine.
Molecular consequence: missense variant.
Genome position (GRCh38, 1-based): chr3:119,402,133, C>A. VCF-style: chr3-119402133-C-A. GRCh37 (hg19) VCF-style: chr3-119120980-C-A.
Other names: c.1381C>A (NM_020754.3); short protein forms P461T.
Identifiers: ClinVar variation 2193900 (VCV002193900.5), dbSNP rs146278925, ClinGen allele CA2553810.
Genomic context (GRCh38, chr3:119,402,133, plus strand): 5'-CCGGAGAGCGAGCAAACAGCCCCAAAGATGTTGGGTATGTTCTACACTTCGAACGACAGC[C>A]CTAGCAAATCCGTCTTCACCAGCAGCCTCTTCCAGATGGAGCCCTCGCCGCGTAACCAGC-3'
Protein context (NP_065805.2, residues 451-471): LGMFYTSNDS[Pro461Thr]SKSVFTSSLF

ClinVar aggregate classification (germline): Likely benign. Review status: criteria provided, multiple submitters, no conflicts (2 of 4 stars). 2 submissions from 2 submitters: Likely benign (2). Last evaluated 2025-05-20.

Conditions:
ARHGAP31-related disorder. Also called: ARHGAP31-related condition.

Allele frequency attached by ClinVar (database versions not stated): ExAC 0.00015; gnomAD 0.00015; TOPMed 0.00016; 1000 Genomes Project 30x 0.00047; 1000 Genomes Project 0.00060.
gnomAD v4.1: 373 of 1,614,274 alleles (0.023%); highest among the groups gnomAD compares: East Asian, 0.77%; 3 homozygotes.

Submissions (2):

PreventionGenetics, part of Exact Sciences
Classification: Likely benign for ARHGAP31-related condition. Last evaluated: 2025-05-20. Review status: criteria provided, single submitter. Criteria: ACMG Guidelines, 2015. Collection method: clinical testing. Allele origin: germline.
Comment: This variant is classified as likely benign based on ACMG/AMP sequence variant interpretation guidelines (Richards et al. 2015 PMID: 25741868, with internal and published modifications).

Labcorp Genetics (formerly Invitae), Labcorp
Classification: Likely benign. Last evaluated: 2024-05-06. Review status: criteria provided, single submitter. Criteria: Invitae Variant Classification Sherloc (09022015). Collection method: clinical testing. Allele origin: germline.